The following is an entry in ClinVar:

NM_003073.5(SMARCB1):c.868C>T (p.Pro290Ser)

Gene: SMARCB1 (SWI/SNF related BAF chromatin remodeling complex subunit B1; plus strand). Cytogenetic location: 22q11.23.
Variant type: single nucleotide variant.
Coding change: c.868C>T on transcript NM_003073.5 (MANE Select); coding-DNA position 868, C replaced by T.
Protein change: p.Pro290Ser; replaces proline 290 with serine.
Molecular consequence: missense variant.
Genome position (GRCh38, 1-based): chr22:23,825,297, C>T. VCF-style: chr22-23825297-C-T. GRCh37 (hg19) VCF-style: chr22-24167484-C-T.
Other names: c.841C>T, p.Pro281Ser (NM_001007468.3); c.895C>T, p.Pro299Ser (NM_001317946.2); c.922C>T, p.Pro308Ser (NM_001362877.2); short protein forms P281S, P290S, P299S, P308S.
Identifiers: ClinVar variation 1805132 (VCV001805132.2), dbSNP rs2030322683, ClinGen allele CA410907182.

ClinVar aggregate classification (germline): Likely benign (1 of 4 stars; one submission).

Conditions:
Intellectual disability, autosomal dominant 15 (CSS3). Also called: COFFIN-SIRIS SYNDROME 3. Identifiers: Orphanet 1465, MedGen C3553248, MONDO:0013820, OMIM 614608.

gnomAD v4.1: 2 of 1,614,080 alleles (0.00012%); highest among the groups gnomAD compares: Non-Finnish European, 0.00017%; no homozygotes.

Submission:

Victorian Clinical Genetics Services, Murdoch Childrens Research Institute
Classification: Likely benign for Intellectual disability, autosomal dominant 15. Last evaluated: 2023-12-21. Review status: criteria provided, single submitter. Criteria: ACMG Guidelines, 2015. Collection method: clinical testing. Allele origin: germline. Inheritance: Autosomal dominant inheritance. Affected: yes.
Comment: Based on the classification scheme VCGS_Germline_v1.3.4, this variant is classified as Likely benign. Following criteria are met: 0103 - Dominant negative, loss of function and gain of function are known mechanisms of disease in this gene. Loss of function variants are associated with cancer susceptibility (rhabdoid tumor predisposition syndrome 1 (MIM#609322), susceptibility to schwannomatosis-1 (MIM#162091), somatic rhabdoid tumors (MIM#609322)). An inframe deletion variant, missense variants and premature termination variants escaping nonsense-mediated decay have all been reported to have either a gain of function or dominant negative mechanism, and are associated with Coffin-Siris syndrome 3 (MIM#614608) (OMIM, PMID: 31759698). (I) 0107 - This gene is associated with autosomal dominant disease. (I) 0200 - Variant is predicted to result in a missense amino acid change from proline to serine. (I) 0251 - This variant is heterozygous. (I) 0301 - Variant is absent from gnomAD (both v2 and v3). (SP) 0501 - Missense variant consistently predicted to be damaging by multiple in silico tools or highly conserved with a major amino acid change. (SP) 0600 - Variant is located in the annotated SNF5 domain (DECIPHER). (I) 0710 - Another missense variant comparable to the one identified in this case has inconclusive previous evidence for pathogenicity. An alternative change to alanine has been reported as uncertain significance in ClinVar. Another alternative change to leucine has been reported with cancer association (PMID: 33024572). (I) 0807 - This variant has no previous evidence of pathogenicity. (I) 0904 - Non-segregation of this variant with the phenotype under investigation has been clearly demonstrated. (SB) 1007 - No published functional evidence has been identified for this variant. (I) Legend: (SP) - Supporting pathogenic, (I) - Information, (SB) - Supporting benign

Literature cited by the submitters: PubMed 31759698; PubMed 33024572.